The following is an entry in ClinVar:

NM_003560.4(PLA2G6):c.1729G>T (p.Val577Phe)

Gene: PLA2G6 (phospholipase A2 group VI; minus strand). Cytogenetic location: 22q13.1.
Variant type: single nucleotide variant.
Coding change: c.1729G>T on transcript NM_003560.4 (MANE Select); coding-DNA position 1729, G replaced by T.
Protein change: p.Val577Phe; replaces valine 577 with phenylalanine.
Molecular consequence: missense variant.
Genome position (GRCh38, 1-based): chr22:38,120,772, C>A on the plus strand (G>T on the coding strand, the complement: PLA2G6 is on the minus strand). VCF-style: chr22-38120772-C-A. GRCh37 (hg19) VCF-style: chr22-38516779-C-A.
Other names: c.1567G>T, p.Val523Phe (NM_001004426.3, NM_001199562.3, NM_001349865.2 and 1 more transcripts); c.1729G>T, p.Val577Phe (NM_001349864.2); c.1195G>T, p.Val399Phe (NM_001349867.2); c.1051G>T, p.Val351Phe (NM_001349868.2); c.1033G>T, p.Val345Phe (NM_001349869.2); short protein forms V351F, V523F, V345F, V399F, V577F.
Identifiers: ClinVar variation 2114942 (VCV002114942.4), dbSNP rs767342982, ClinGen allele CA411527151.

ClinVar aggregate classification (germline): Uncertain significance (1 of 4 stars; one submission).

Conditions:
Infantile neuroaxonal dystrophy (NBIA2A). Also called: NEURODEGENERATION WITH BRAIN IRON ACCUMULATION 2A; SEITELBERGER DISEASE; Infantile neuroaxonal dystrophy 1. Identifiers: Orphanet 35069, MedGen C0270724, MONDO:0024457, OMIM 256600.

gnomAD v4.1: 1 of 1,613,762 alleles (0.000062%); highest among the groups gnomAD compares: Non-Finnish European, 0.000085%; no homozygotes.

Submission:

Labcorp Genetics (formerly Invitae), Labcorp
Classification: Uncertain significance for Infantile neuroaxonal dystrophy. Last evaluated: 2024-10-22. Review status: criteria provided, single submitter. Criteria: Invitae Variant Classification Sherloc (09022015). Collection method: clinical testing. Allele origin: germline.
Comment: This sequence change replaces valine, which is neutral and non-polar, with phenylalanine, which is neutral and non-polar, at codon 577 of the PLA2G6 protein (p.Val577Phe). This variant is not present in population databases (gnomAD no frequency). This variant has not been reported in the literature in individuals affected with PLA2G6-related conditions. ClinVar contains an entry for this variant (Variation ID: 2114942). Invitae Evidence Modeling of protein sequence and biophysical properties (such as structural, functional, and spatial information, amino acid conservation, physicochemical variation, residue mobility, and thermodynamic stability) indicates that this missense variant is not expected to disrupt PLA2G6 protein function with a negative predictive value of 80%. In summary, the available evidence is currently insufficient to determine the role of this variant in disease. Therefore, it has been classified as a Variant of Uncertain Significance.